The following is an entry in ClinVar:

NM_032608.7(MYO18B):c.4684dup (p.Ser1562fs)

Genes: MYO18B (myosin XVIIIB; plus strand), MYO18B-AS1 (MYO18B antisense RNA 1; minus strand). Cytogenetic location: 22q12.1.
Variant type: Duplication.
Coding change: c.4684dup on transcript NM_032608.7 (MANE Select); coding-DNA position 4684, one base duplicated (A; older notation c.4684dupA).
Protein change: p.Ser1562fs; shifts the reading frame from serine 1562.
Molecular consequence: frameshift variant.
Genome position (GRCh38, 1-based): chr22:25,898,322, A duplicated; the last of 3 consecutive A bases (chr22:25,898,320-25,898,322); duplicating any one gives the same sequence. VCF-style (leftmost placement, unchanged base first): chr22-25898319-C-CA. GRCh37 (hg19) VCF-style: chr22-26294286-C-CA.
Other names: c.4687dup, p.Ser1563fs (NM_001318245.2); short protein forms S1562fs, S1563fs.
Identifiers: ClinVar variation 2957249 (VCV002957249.4), dbSNP rs1176542971, ClinGen allele CA751978469.

ClinVar aggregate classification (germline): Pathogenic/Likely pathogenic. Review status: criteria provided, multiple submitters, no conflicts (2 of 4 stars). 2 submissions from 2 submitters: Pathogenic (1); Likely pathogenic (1). Last evaluated 2025-06-08.

Conditions:
MYO18B-related disorder. Also called: MYO18B-related condition.

Submissions (2):

Labcorp Genetics (formerly Invitae), Labcorp
Classification: Pathogenic. Last evaluated: 2025-06-08. Review status: criteria provided, single submitter. Criteria: Invitae Variant Classification Sherloc (09022015). Collection method: clinical testing. Allele origin: germline.
Comment: This sequence change creates a premature translational stop signal (p.Ser1562Lysfs*4) in the MYO18B gene. It is expected to result in an absent or disrupted protein product. Loss-of-function variants in MYO18B are known to be pathogenic (PMID: 25748484, 32184166, 32637634). This variant is not present in population databases (gnomAD no frequency). This variant has not been reported in the literature in individuals affected with MYO18B-related conditions. ClinVar contains an entry for this variant (Variation ID: 2957249). For these reasons, this variant has been classified as Pathogenic.

Blueprint Genetics
Classification: Likely pathogenic for MYO18B-related disorders. Last evaluated: 2021-01-16. Review status: criteria provided, single submitter. Criteria: ACMG Guidelines, 2015. Collection method: clinical testing. Allele origin: germline. Affected: yes. Observed: 1 variant allele.

Literature cited by the submitters: PubMed 25748484 (cited by Labcorp Genetics (formerly Invitae), Labcorp); PubMed 32184166 (cited by Labcorp Genetics (formerly Invitae), Labcorp); PubMed 32637634 (cited by Labcorp Genetics (formerly Invitae), Labcorp).